The following is an entry in ClinVar:

NM_006031.6(PCNT):c.977-7C>G

Gene: PCNT (pericentrin; plus strand). Cytogenetic location: 21q22.3.
Variant type: single nucleotide variant.
Coding change: c.977-7C>G on transcript NM_006031.6 (MANE Select); 7 bases into the intron before coding-DNA position 977, C replaced by G.
Molecular consequence: intron variant.
Genome position (GRCh38, 1-based): chr21:46,347,450, C>G. VCF-style: chr21-46347450-C-G. GRCh37 (hg19) VCF-style: chr21-47767364-C-G.
Other names: c.623-7C>G (NM_001315529.2).
Identifiers: ClinVar variation 3356391 (VCV003356391.1).

ClinVar aggregate classification (germline): Likely benign (0 of 4 stars; one submission).

Conditions:
PCNT-related disorder. Also called: PCNT-related condition.

Submission:

PreventionGenetics, part of Exact Sciences
Classification: Likely benign for PCNT-related condition. Last evaluated: 2024-04-30. Review status: no assertion criteria provided. Collection method: clinical testing. Allele origin: germline.
Comment: This variant is classified as likely benign based on ACMG/AMP sequence variant interpretation guidelines (Richards et al. 2015 PMID: 25741868, with internal and published modifications).